The following is an entry in ClinVar:

NM_000051.4(ATM):c.4910-1_4910insGCCGGGCGCGGTGGCTCACGCCTGTAATCCCAGCACTTTGGGAGGCCGAGGCGGGCGGATCACGAGGTCAGNNNNNNNNNNAAAAAAAAAAAAAAAAAAAAAAAAAATTATTTCTAG

Gene: ATM (ATM serine/threonine kinase; plus strand). Cytogenetic location: 11q22.3.
Variant type: Microsatellite.
Coding change: c.4910-1_4910insGCCGGGCGCGGTGGCTCACGCCTGTAATCCCAGCACTTTGGGAGGCCGAGGCGGGCGGATCACGAGGTCAGNNNNNNNNNNAAAAAAAAAAAAAAAAAAAAAAAAAATTATTTCTAG on transcript NM_000051.4 (MANE Select); the canonical splice acceptor site of the intron before coding-DNA position 4910 through coding-DNA position 4910, GCCGGGCGCGGTGGCTCACGCCTGTAATCCCAGCACTTTGGGAGGCCGAGGCGGGCGGATCACGAGGTCAGNNNNNNNNNNAAAAAAAAAAAAAAAAAAAAAAAAAATTATTTCTAG inserted.
Molecular consequence: splice acceptor variant.
Genome position: GRCh38: chr11:108,297,271-108,297,286. GRCh37 (hg19): chr11:108,167,998-108,168,013.
Other names: c.4910-1_4910insGCCGGGCGCGGTGGCTCACGCCTGTAATCCCAGCACTTTGGGAGGCCGAGGCGGGCGGATCACGAGGTCAGNNNNNNNNNNAAAAAAAAAAAAAAAAAAAAAAAAAATTATTTCTAG (NM_001351834.2).
Identifiers: ClinVar variation 1463566 (VCV001463566.6).

ClinVar aggregate classification (germline): Uncertain significance (1 of 4 stars; one submission).

Conditions:
Ataxia-telangiectasia syndrome (AT). Also called: Ataxia-telangiectasia, complementation group D; AT, COMPLEMENTATION GROUP C; Cerebello-oculocutaneous telangiectasia; Immunodeficiency with ataxia telangiectasia; Ataxia-telangiectasia, complementation group E; LOUIS-BAR SYNDROME. Identifiers: Orphanet 100, MedGen C0004135, MONDO:0008840, OMIM 208900.

Submission:

Labcorp Genetics (formerly Invitae), Labcorp
Classification: Uncertain significance for Ataxia-telangiectasia syndrome. Last evaluated: 2025-10-23. Review status: criteria provided, single submitter. Criteria: Invitae Variant Classification Sherloc (09022015). Collection method: clinical testing. Allele origin: germline.
Comment: This sequence change falls in intron 32 of the ATM gene. It does not directly change the encoded amino acid sequence of the ATM protein. This variant is not present in population databases (gnomAD no frequency). This variant has not been reported in the literature in individuals affected with ATM-related conditions. Experimental studies and prediction algorithms are not available or were not evaluated, and the effect of this variant on mRNA splicing is currently unknown. In summary, the available evidence is currently insufficient to determine the role of this variant in disease. Therefore, it has been classified as a Variant of Uncertain Significance.